The following is an entry in ClinVar:

ClinVar aggregate classification (germline): Uncertain significance (1 of 4 stars; one submission).

Conditions:
Emery-Dreifuss muscular dystrophy 5, autosomal dominant (EDMD5). Also called: EMERY-DREIFUSS MUSCULAR DYSTROPHY 5. Identifiers: Orphanet 261, MedGen C2751805, MONDO:0013072, OMIM 612999.

Allele frequency attached by ClinVar (database versions not stated): gnomAD exomes below 0.00001.
gnomAD v4.1: 2 of 1,614,190 alleles (0.00012%); highest among the groups gnomAD compares: Non-Finnish European, 0.00017%; no homozygotes.

Submission:

Labcorp Genetics (formerly Invitae), Labcorp
Classification: Uncertain significance for Emery-Dreifuss muscular dystrophy 5, autosomal dominant. Last evaluated: 2022-03-23. Review status: criteria provided, single submitter. Criteria: Invitae Variant Classification Sherloc (09022015). Collection method: clinical testing. Allele origin: germline.
Comment: This variant has not been reported in the literature in individuals affected with SYNE2-related conditions. In summary, the available evidence is currently insufficient to determine the role of this variant in disease. Therefore, it has been classified as a Variant of Uncertain Significance. Variants that disrupt the consensus splice site are a relatively common cause of aberrant splicing (PMID: 17576681, 9536098). Algorithms developed to predict the effect of sequence changes on RNA splicing suggest that this variant may disrupt the consensus splice site. This variant is not present in population databases (gnomAD no frequency). This sequence change falls in intron 97 of the SYNE2 gene. It does not directly change the encoded amino acid sequence of the SYNE2 protein. It affects a nucleotide within the consensus splice site.

Literature cited by the submitters: PubMed 17576681; PubMed 9536098.

NM_182914.3(SYNE2):c.17712+5G>A

Gene: SYNE2 (spectrin repeat containing nuclear envelope protein 2; plus strand). Cytogenetic location: 14q23.2.
Variant type: single nucleotide variant.
Coding change: c.17712+5G>A on transcript NM_182914.3 (MANE Select); 5 bases into the intron after coding-DNA position 17712, G replaced by A.
Molecular consequence: intron variant.
Genome position (GRCh38, 1-based): chr14:64,186,584, G>A. VCF-style: chr14-64186584-G-A. GRCh37 (hg19) VCF-style: chr14-64653302-G-A.
Other names: c.17712+5G>A (NM_015180.6).
Identifiers: ClinVar variation 2184032 (VCV002184032.4), dbSNP rs2098492302, ClinGen allele CA2580088325.